The following is an entry in ClinVar:

NM_020975.6(RET):c.764T>C (p.Met255Thr)

Gene: RET (ret proto-oncogene; plus strand). Cytogenetic location: 10q11.21.
Variant type: single nucleotide variant.
Coding change: c.764T>C on transcript NM_020975.6 (MANE Select); coding-DNA position 764, T replaced by C.
Protein change: p.Met255Thr; replaces methionine 255 with threonine.
Molecular consequence: missense variant. On other transcripts: intron variant (22), initiator codon variant (1).
Genome position (GRCh38, 1-based): chr10:43,105,090, T>C. VCF-style: chr10-43105090-T-C. GRCh37 (hg19) VCF-style: chr10-43600538-T-C.
Other names: c.625+2461T>C (NM_001406785.1, NM_001406773.1, NM_001406771.1 and 5 more transcripts); c.496+2461T>C (NM_001406786.1, NM_001406783.1); c.338-3941T>C (NM_001406778.1, NM_001406775.1, NM_001406776.1 and 1 more transcripts); c.337+4368T>C (NM_001406790.1, NM_001406788.1, NM_001406789.1 and 1 more transcripts); c.74-3941T>C (NM_001406784.1); c.74-7009T>C (NM_001406794.1, NM_001406792.1, NM_001406793.1); c.764T>C, p.Met255Thr (NM_000323.2, NM_001406743.1, NM_001406744.1 and 8 more transcripts); c.2T>C, p.Met1Thr (NM_001355216.2); and 2 more; short protein forms M212T, M159T, M1T, M255T.
Identifiers: ClinVar variation 2618562 (VCV002618562.7), dbSNP rs2132706539, ClinGen allele CA376544925.

ClinVar aggregate classification (germline): Conflicting classifications of pathogenicity. Review status: criteria provided, conflicting classifications (1 of 4 stars). 2 submissions from 2 submitters: Uncertain significance (1); Likely benign (1). Last evaluated 2026-08-10.

Conditions:
Multiple endocrine neoplasia, type 2 (MEN2). Identifiers: Orphanet 653, MedGen C4048306, MONDO:0019003. Disease mechanism: gain of function.
Hereditary cancer-predisposing syndrome. Also called: Hereditary neoplastic syndrome; Hereditary Cancer Syndrome; Neoplastic Syndromes, Hereditary; Tumor predisposition. Identifiers: Orphanet 140162, MedGen C0027672, MeSH D009386, MONDO:0015356.

Submissions (2):

Ambry Genetics
Classification: Likely benign for Hereditary cancer-predisposing syndrome. Last evaluated: 2026-08-10. Review status: criteria provided, single submitter. Criteria: Ambry Variant Classification Scheme 2023. Collection method: clinical testing. Allele origin: germline.

Labcorp Genetics (formerly Invitae), Labcorp
Classification: Uncertain significance for Multiple endocrine neoplasia, type 2. Last evaluated: 2025-11-17. Review status: criteria provided, single submitter. Criteria: Invitae Variant Classification Sherloc (09022015). Collection method: clinical testing. Allele origin: germline.
Comment: This sequence change replaces methionine, which is neutral and non-polar, with threonine, which is neutral and polar, at codon 255 of the RET protein (p.Met255Thr). This variant is not present in population databases (gnomAD no frequency). This variant has not been reported in the literature in individuals affected with RET-related conditions. ClinVar contains an entry for this variant (Variation ID: 2618562). An algorithm developed to predict the effect of missense changes on protein structure and function outputs the following: PolyPhen-2: "Benign". The threonine amino acid residue is found in multiple mammalian species, which suggests that this missense change does not adversely affect protein function. In summary, the available evidence is currently insufficient to determine the role of this variant in disease. Therefore, it has been classified as a Variant of Uncertain Significance.